The following is an entry in ClinVar:

NM_006269.2(RP1):c.867C>G (p.Tyr289Ter)

Gene: RP1 (RP1 axonemal microtubule associated; plus strand). Cytogenetic location: 8q12.1.
Variant type: single nucleotide variant.
Coding change: c.867C>G on transcript NM_006269.2 (MANE Select); coding-DNA position 867, C replaced by G.
Protein change: p.Tyr289Ter; replaces tyrosine 289 with a stop codon.
Molecular consequence: nonsense. On other transcripts: intron variant (1).
Genome position (GRCh38, 1-based): chr8:54,624,749, C>G. VCF-style: chr8-54624749-C-G. GRCh37 (hg19) VCF-style: chr8-55537309-C-G.
Other names: c.787+2461C>G (NM_001375654.1); short protein forms Y289*.
Identifiers: ClinVar variation 4764433 (VCV004764433.1).
Genomic context (GRCh38, chr8:54,624,749, plus strand): 5'-AAGCTCAAGGTCCCAGATTTATTCTGTTTCTTCTGAGAAAACACATAATAATGATTGCTA[C>G]TTAGACTATTCTTTTGTTCCTGAAAAGTACTTGGCCTTAGAAAAGAATGATTCTCAGAAT-3'

ClinVar aggregate classification (germline): Pathogenic (1 of 4 stars; one submission).

gnomAD v4.1: 1 of 1,613,780 alleles (0.000062%); highest among the groups gnomAD compares: African/African-American, 0.0013%; no homozygotes.

Submission:

Labcorp Genetics (formerly Invitae), Labcorp
Classification: Pathogenic. Last evaluated: 2025-05-13. Review status: criteria provided, single submitter. Criteria: Invitae Variant Classification Sherloc (09022015). Collection method: clinical testing. Allele origin: germline.
Comment: This sequence change creates a premature translational stop signal (p.Tyr289*) in the RP1 gene. While this is not anticipated to result in nonsense mediated decay, it is expected to disrupt the last 1868 amino acid(s) of the RP1 protein. This variant is present in population databases (no rsID available, gnomAD 0.02%). This variant has not been reported in the literature in individuals affected with RP1-related conditions. This variant disrupts the C-terminus of the RP1 protein. Many variants that disrupt this region have been reported in individuals with either autosomal dominant or autosomal recessive retinitis pigmentosa (PMID: 11527933, 19933189, 29425069, 30027431, 33681214). Therefore, variants that disrupt this region are expected to be disease-causing. For these reasons, this variant has been classified as Pathogenic.

Literature cited by the submitters: PubMed 11527933; PubMed 19933189; PubMed 29425069; PubMed 30027431; PubMed 33681214.